The following continues an entry in ClinVar:

NM_000059.4(BRCA2):c.7435+6G>A

Gene: BRCA2. ClinVar aggregate classification (germline): Conflicting classifications of pathogenicity. Uncertain significance (2); Benign (11); Likely benign (9).

Submissions 24 to 32 of 32:

Hereditary Cancer Genetics group, Vall d'Hebron Institute of Oncology
Classification: Benign for Hereditary breast and ovarian cancer syndrome. Last evaluated: 2019-03-01. Review status: no assertion criteria provided. Collection method: research. Allele origin: germline. Affected: yes. Not counted in ClinVar's aggregate classification.

Research Molecular Genetics Laboratory, Women's College Hospital, University of Toronto
Classification: Uncertain significance. Last evaluated: 2014-12-23. Review status: no assertion criteria provided. Collection method: research. Allele origin: germline. Affected: yes. Study: The Canadian Open Genetics Repository (COGR). Not counted in ClinVar's aggregate classification.

Counsyl
Classification: Likely benign for Breast-ovarian cancer, familial 2. Last evaluated: 2014-09-10. Review status: no assertion criteria provided. Collection method: literature only. Allele origin: unknown. Inheritance: Autosomal dominant inheritance. Not counted in ClinVar's aggregate classification.

Sharing Clinical Reports Project (SCRP)
Classification: Benign for Breast-ovarian cancer, familial 2. Last evaluated: 2009-02-03. Review status: no assertion criteria provided. Collection method: clinical testing. Allele origin: germline. Not counted in ClinVar's aggregate classification.

Breast Cancer Information Core (BIC) (BRCA2)
Classification: Uncertain significance for Breast-ovarian cancer, familial 2. Last evaluated: 2002-05-29. Review status: no assertion criteria provided. Collection method: clinical testing. Allele origin: germline. Affected: yes. Observed: 14 variant alleles. Not counted in ClinVar's aggregate classification.

Clinical Genetics DNA and cytogenetics Diagnostics Lab, Erasmus MC, Erasmus Medical Center
Classification: Likely benign. Review status: no assertion criteria provided. Collection method: clinical testing. Allele origin: germline. Affected: yes. Study: VKGL Data-share Consensus. Not counted in ClinVar's aggregate classification.

Department of Pathology and Laboratory Medicine, Sinai Health System
Classification: Benign. Review status: no assertion criteria provided. Collection method: clinical testing. Allele origin: unknown. Affected: yes. Observed: 1 variant allele. Study: The Canadian Open Genetics Repository (COGR). Not counted in ClinVar's aggregate classification.
Comment: The BRCA2 c.7435+6G>A variant was identified in 2 of 124 proband chromosomes (frequency: 0.016) from individuals or families with hereditary breast or ovarian cancer (Thomassen 2012, Whiley 2011); however, control chromosomes were not evaluated in these studies, thus the prevalence of this variant in the general population could not be determined. The variant was also identified in dbSNP (ID: rs81002852) â€šÃ„ÃºWith other alleleâ€šÃ„Ã¹ in the 1000 Genomes Project in 3 of 3000 chromosomes (frequency: 0.001), Exome Variant Server project in 12 of 4404 African American alleles, 0.0027), although this low number of observations and low frequency is not substantive enough to determine the prevalence of the variant in the general population and its relationship to disease. The variant was also found in the ClinVar database with conflicting data from submitters, the BIC database (14 X with unknown clinical importance), and UMD (13 X as an unknown variant). In UMD the variant was identified with one co-occurring pathogenic BRCA1 variant c.2477_2478delCA (p.Thr826ArgfsX4) and one co-occuring BRCA2 pathogenic variant c.48dup (p.Thr17AspfsX14), increasing the likelihood that the c.7435+6G>A variant does not have clinical significance. The c.7435+6G>A variant occurs outside of the splicing consensus sequence and in silico or computational prediction software (SpliceSiteFinder, MaxEntScan, NNSPLICE, GeneSplicer, HumanSpliceFinder) does not predict a difference in splicing in 5 of 5 different programs. In addition, in vitro analysis of mRNA in two studies indicated no splicing alterations (Thomassen 2012, Whiley 2011). In summary, based on the above information, this variant meets our laboratory's criteria to be classified as benign.

Joint Genome Diagnostic Labs from Nijmegen and Maastricht, Radboudumc and MUMC+
Classification: Likely benign. Review status: no assertion criteria provided. Collection method: clinical testing. Allele origin: germline. Affected: yes. Study: VKGL Data-share Consensus. Not counted in ClinVar's aggregate classification.

Laboratory of Diagnostic Genome Analysis, Leiden University Medical Center (LUMC)
Classification: Likely benign. Review status: no assertion criteria provided. Collection method: clinical testing. Allele origin: germline. Affected: yes. Study: VKGL Data-share Consensus. Not counted in ClinVar's aggregate classification.

Literature cited by the submitters: PubMed 21769658 (cited by 3 submitters); PubMed 21394826 (cited by Quest Diagnostics Nichols Institute San Juan Capistrano and Counsyl); PubMed 32994724 (cited by Quest Diagnostics Nichols Institute San Juan Capistrano); PubMed 31343793 (cited by Quest Diagnostics Nichols Institute San Juan Capistrano); PubMed 31191615 (cited by Quest Diagnostics Nichols Institute San Juan Capistrano); PubMed 33010199 (cited by Quest Diagnostics Nichols Institute San Juan Capistrano); DOI 10.3389/fgene.2022.834265 (cited by National Health Laboratory Service, Universitas Academic Hospital and University of the Free State); PubMed 36329109 (cited by Genetics Program, Instituto Nacional de Cancer); PubMed 30472649 (cited by Hereditary Cancer Genetics group, Vall d'Hebron Institute of Oncology).